The following is an entry in ClinVar:

ClinVar aggregate classification (germline): Uncertain significance (1 of 4 stars; one submission).

gnomAD v4.1: 2 of 1,614,200 alleles (0.00012%); highest among the groups gnomAD compares: Admixed American, 0.0017%; no homozygotes.

Submission:

Labcorp Genetics (formerly Invitae), Labcorp
Classification: Uncertain significance. Last evaluated: 2025-09-24. Review status: criteria provided, single submitter. Criteria: Invitae Variant Classification Sherloc (09022015). Collection method: clinical testing. Allele origin: germline.
Comment: This sequence change replaces serine, which is neutral and polar, with phenylalanine, which is neutral and non-polar, at codon 41 of the TM4SF20 protein (p.Ser41Phe). This variant is present in population databases (no rsID available, gnomAD 0.003%). This variant has not been reported in the literature in individuals affected with TM4SF20-related conditions. An algorithm developed to predict the effect of missense changes on protein structure and function outputs the following: PolyPhen-2: "Benign". The phenylalanine amino acid residue is found in multiple mammalian species, which suggests that this missense change does not adversely affect protein function. In summary, the available evidence is currently insufficient to determine the role of this variant in disease. Therefore, it has been classified as a Variant of Uncertain Significance.

NM_024795.4(TM4SF20):c.122C>T (p.Ser41Phe)

Gene: TM4SF20 (transmembrane 4 L six family member 20; minus strand). Cytogenetic location: 2q36.3.
Variant type: single nucleotide variant.
Coding change: c.122C>T on transcript NM_024795.4 (MANE Select); coding-DNA position 122, C replaced by T.
Protein change: p.Ser41Phe; replaces serine 41 with phenylalanine.
Molecular consequence: missense variant.
Genome position (GRCh38, 1-based): chr2:227,379,147, G>A on the plus strand (C>T on the coding strand, the complement: TM4SF20 is on the minus strand). VCF-style: chr2-227379147-G-A. GRCh37 (hg19) VCF-style: chr2-228243863-G-A.
Other names: short protein forms S41F.
Identifiers: ClinVar variation 4810421 (VCV004810421.1).
Genomic context (GRCh38, chr2:227,379,147, plus strand): 5'-ATCAGACCTGCTCCTATAATTCCTGGGAACCACCACTCAAAGCAAGAGATGGGGTTTTGA[G>A]AAAATTGGTCTTCCTCAACTAAGCTGACAATTAGAGGTATCGCATTGAGAACTACTCCTA-3'
Protein context (NP_079071.2, residues 31-51): IVSLVEEDQF[Ser41Phe]QNPISCFEWW